The following is an entry in ClinVar:

ClinVar aggregate classification (germline): Conflicting classifications of pathogenicity. Review status: criteria provided, conflicting classifications (1 of 4 stars). 2 submissions from 2 submitters: Pathogenic (1); Uncertain significance (1). Last evaluated 2022-01-25.

Conditions:
Autosomal recessive severe congenital neutropenia due to G6PC3 deficiency. Also called: NEUTROPENIA, SEVERE CONGENITAL, 4, AUTOSOMAL RECESSIVE; G6PC3 Deficiency. Identifiers: Orphanet 331176, MedGen C2751630, MONDO:0012930, OMIM 612541.

Allele frequency attached by ClinVar (database versions not stated): gnomAD exomes 0.00001.
gnomAD v4.1: 13 of 1,613,122 alleles (0.00081%); highest among the groups gnomAD compares: Non-Finnish European, 0.001%; no homozygotes.

Submissions (2):

Genetic Services Laboratory, University of Chicago
Classification: Pathogenic. Last evaluated: 2022-01-25. Review status: criteria provided, single submitter. Criteria: ACMG Guidelines, 2015. Collection method: clinical testing. Allele origin: germline.

Labcorp Genetics (formerly Invitae), Labcorp
Classification: Uncertain significance for Autosomal recessive severe congenital neutropenia due to G6PC3 deficiency. Last evaluated: 2019-05-15. Review status: criteria provided, single submitter. Criteria: Invitae Variant Classification Sherloc (09022015). Collection method: clinical testing. Allele origin: germline.
Comment: This sequence change results in a premature translational stop signal in the G6PC3 gene (p.Gln338*). While this is not anticipated to result in nonsense mediated decay, it is expected to disrupt the last 9 amino acids of the G6PC3 protein. In summary, the available evidence is currently insufficient to determine the role of this variant in disease. Therefore, it has been classified as a Variant of Uncertain Significance. Experimental studies and prediction algorithms are not available for this variant, and the functional significance of the affected amino acid(s) is currently unknown. This variant has not been reported in the literature in individuals with G6PC3-related conditions. This variant is not present in population databases (ExAC no frequency).

NM_138387.4(G6PC3):c.1012C>T (p.Gln338Ter)

Gene: G6PC3 (glucose-6-phosphatase catalytic subunit 3; plus strand). Cytogenetic location: 17q21.31.
Variant type: single nucleotide variant.
Coding change: c.1012C>T on transcript NM_138387.4 (MANE Select); coding-DNA position 1012, C replaced by T.
Protein change: p.Gln338Ter; replaces glutamine 338 with a stop codon.
Molecular consequence: nonsense. On other transcripts: 3 prime UTR variant (1).
Genome position (GRCh38, 1-based): chr17:44,076,014, C>T. VCF-style: chr17-44076014-C-T. GRCh37 (hg19) VCF-style: chr17-42153382-C-T.
Other names: c.*305C>T (NM_001319945.2); c.667C>T, p.Gln223Ter (NM_001384165.1, NM_001384166.1, NM_001384167.1 and 1 more transcripts); short protein forms Q338*, Q223*.
Identifiers: ClinVar variation 937049 (VCV000937049.9), dbSNP rs889605875, ClinGen allele CA290850705.
Genomic context (GRCh38, chr17:44,076,014, plus strand): 5'-ACCCTCTGGCCATGCCTAGTCCTGGCCCTCGTGCCCTGGGCAGTGCACATGTTCAGTGCC[C>T]AGGAAGCACCGCCCATCCACTCTTCCTGACTTCTTGTGTGCCTCCCTTTCCTTTCCCTCC-3'